The following is an entry in ClinVar:

ClinVar aggregate classification (germline): Uncertain significance (1 of 4 stars; one submission).

Conditions:
Dyskeratosis congenita, autosomal dominant 2. Identifiers: MedGen C3151443, MONDO:0013521, OMIM 613989.
Idiopathic Pulmonary Fibrosis. Also called: Idiopathic fibrosing alveolitis, chronic form; idiopathic fibrosing alveolitis. Identifiers: Orphanet 2032, MedGen C1800706, MeSH D054990, MONDO:0800504.

Submission:

Labcorp Genetics (formerly Invitae), Labcorp
Classification: Uncertain significance for Dyskeratosis congenita, autosomal dominant 2; Idiopathic Pulmonary Fibrosis. Last evaluated: 2022-07-25. Review status: criteria provided, single submitter. Criteria: Invitae Variant Classification Sherloc (09022015). Collection method: clinical testing. Allele origin: germline.
Comment: In summary, the available evidence is currently insufficient to determine the role of this variant in disease. Therefore, it has been classified as a Variant of Uncertain Significance. Advanced modeling of protein sequence and biophysical properties (such as structural, functional, and spatial information, amino acid conservation, physicochemical variation, residue mobility, and thermodynamic stability) performed at Invitae indicates that this missense variant is not expected to disrupt TERT protein function. ClinVar contains an entry for this variant (Variation ID: 1475024). This variant has not been reported in the literature in individuals affected with TERT-related conditions. This variant is not present in population databases (gnomAD no frequency). This sequence change replaces threonine, which is neutral and polar, with lysine, which is basic and polar, at codon 443 of the TERT protein (p.Thr443Lys).

NM_198253.3(TERT):c.1328C>A (p.Thr443Lys)

Gene: TERT (telomerase reverse transcriptase; minus strand). Cytogenetic location: 5p15.33.
Variant type: single nucleotide variant.
Coding change: c.1328C>A on transcript NM_198253.3 (MANE Select); coding-DNA position 1328, C replaced by A.
Protein change: p.Thr443Lys; replaces threonine 443 with lysine.
Molecular consequence: missense variant. On other transcripts: non-coding transcript variant (2).
Genome position (GRCh38, 1-based): chr5:1,293,558, G>T on the plus strand (C>A on the coding strand, the complement: TERT is on the minus strand). VCF-style: chr5-1293558-G-T. GRCh37 (hg19) VCF-style: chr5-1293673-G-T.
Other names: c.1328C>A, p.Thr443Lys (NM_001193376.3); short protein forms T443K.
Identifiers: ClinVar variation 1475024 (VCV001475024.8), dbSNP rs772257175, ClinGen allele CA359086163.